The following is an entry in ClinVar:

NM_007118.4(TRIO):c.3128G>A (p.Gly1043Glu)

Gene: TRIO (trio Rho guanine nucleotide exchange factor; plus strand). Cytogenetic location: 5p15.2.
Variant type: single nucleotide variant.
Coding change: c.3128G>A on transcript NM_007118.4 (MANE Select); coding-DNA position 3128, G replaced by A.
Protein change: p.Gly1043Glu; replaces glycine 1043 with glutamic acid.
Molecular consequence: missense variant. On other transcripts: non-coding transcript variant (1).
Genome position (GRCh38, 1-based): chr5:14,369,435, G>A. VCF-style: chr5-14369435-G-A. GRCh37 (hg19) VCF-style: chr5-14369544-G-A.
Other names: short protein forms G1043E.
Identifiers: ClinVar variation 3902475 (VCV003902475.1).
Genomic context (GRCh38, chr5:14,369,435, plus strand): 5'-TCTGCAGCGTCCTCGAGAGCCTGGAACAGGAGTACAAGAGAGAAGAAGACTGGTGTGGCG[G>A]GGCGGATAAGCTGGGCCCAAACTCTGAGACGGACCACGTGACGCCCATGATCAGCAAGCA-3'
Protein context (NP_009049.2, residues 1033-1053): EYKREEDWCG[Gly1043Glu]ADKLGPNSET

ClinVar aggregate classification (germline): Uncertain significance (1 of 4 stars; one submission).

Submission:

Women's Health and Genetics/Laboratory Corporation of America, LabCorp
Classification: Uncertain significance. Last evaluated: 2025-05-06. Review status: criteria provided, single submitter. Criteria: LabCorp Variant Classification Summary - May 2015. Collection method: clinical testing. Allele origin: germline.
Comment: Variant summary: TRIO c.3128G>A (p.Gly1043Glu) results in a non-conservative amino acid change in the encoded protein sequence. Algorithms developed to predict the effect of missense changes on protein structure and function are either unavailable or do not agree on the potential impact of this missense change. The variant was absent in 251150 control chromosomes. The available data on variant occurrences in the general population are insufficient to allow any conclusion about variant significance. To our knowledge, no occurrence of c.3128G>A in individuals affected with TRIO-Related Intellectual Disability and no experimental evidence demonstrating its impact on protein function have been reported. No submitters have cited clinical-significance assessments for this variant to ClinVar. Based on the evidence outlined above, the variant was classified as uncertain significance.